The following is an entry in ClinVar:

NM_020831.6(MRTFA):c.2216A>G (p.Gln739Arg)

Gene: MRTFA (myocardin related transcription factor A; minus strand). Cytogenetic location: 22q13.1.
Variant type: single nucleotide variant.
Coding change: c.2216A>G on transcript NM_020831.6 (MANE Select); coding-DNA position 2216, A replaced by G.
Protein change: p.Gln739Arg; replaces glutamine 739 with arginine.
Molecular consequence: missense variant.
Genome position (GRCh38, 1-based): chr22:40,418,522, T>C on the plus strand (A>G on the coding strand, the complement: MRTFA is on the minus strand). VCF-style: chr22-40418522-T-C. GRCh37 (hg19) VCF-style: chr22-40814526-T-C.
Other names: c.1916A>G, p.Gln639Arg (NM_001282660.2); c.2066A>G, p.Gln689Arg (NM_001282661.3); c.2216A>G, p.Gln739Arg (NM_001282662.3); c.2021A>G, p.Gln674Arg (NM_001318139.2); short protein forms Q689R, Q674R, Q639R, Q739R.
Identifiers: ClinVar variation 2755174 (VCV002755174.3), dbSNP rs756146558, ClinGen allele CA411657761.

ClinVar aggregate classification (germline): Uncertain significance (1 of 4 stars; one submission).

gnomAD v4.1: 2 of 1,590,686 alleles (0.00013%); highest among the groups gnomAD compares: Admixed American, 0.0019%; no homozygotes.

Submission:

Labcorp Genetics (formerly Invitae), Labcorp
Classification: Uncertain significance. Last evaluated: 2023-08-25. Review status: criteria provided, single submitter. Criteria: Invitae Variant Classification Sherloc (09022015). Collection method: clinical testing. Allele origin: germline.
Comment: An algorithm developed to predict the effect of missense changes on protein structure and function (PolyPhen-2) suggests that this variant is likely to be tolerated. In summary, the available evidence is currently insufficient to determine the role of this variant in disease. Therefore, it has been classified as a Variant of Uncertain Significance. This variant has not been reported in the literature in individuals affected with MKL1-related conditions. This variant is not present in population databases (gnomAD no frequency). This sequence change replaces glutamine, which is neutral and polar, with arginine, which is basic and polar, at codon 639 of the MKL1 protein (p.Gln639Arg).